The following is an entry in ClinVar:

ClinVar aggregate classification (germline): Uncertain significance (1 of 4 stars; one submission).

Submission:

GeneDx
Classification: Uncertain significance. Last evaluated: 2017-09-13. Review status: criteria provided, single submitter. Criteria: GeneDx Variant Classification (06012015). Collection method: clinical testing. Allele origin: germline. Affected: yes.
Comment: The c.2866_2876+22dup33 variant in the HUWE1 gene has not been reported previously as a pathogenic variant, nor as a benign variant, to our knowledge. In-silico splice prediction models predict that c.2866_2876+22dup33 may create a cryptic splice donor site in intron 27, which may cause abnormal gene splicing. However, in the absence of RNA/functional studies, the actual effect of the c.2866_2876+22dup33 change in this individual is unknown. The c.2866_2876+22dup33 variant is not observed in large population cohorts (Lek et al., 2016; 1000 Genomes Consortium et al., 2015; Exome Variant Server). We interpret c.2866_2876+22dup33 as a variant of uncertain significance.

NM_031407.7(HUWE1):c.2866_2876+22dup

Gene: HUWE1 (HECT, UBA and WWE domain containing E3 ubiquitin protein ligase 1; minus strand). Cytogenetic location: Xp11.22.
Variant type: Duplication.
Coding change: c.2866_2876+22dup on transcript NM_031407.7 (MANE Select); coding-DNA position 2866 through 22 bases into the intron after coding-DNA position 2876, 33 bases duplicated.
Molecular consequence: splice donor variant.
Genome position (GRCh38, 1-based): chrX:53,603,346-53,603,378, 33 bases duplicated; duplicating any 33 consecutive bases within chrX:53,603,346-53,603,379 gives the same sequence; the c. name uses the placement nearest the transcript's 3' end. GRCh37 (hg19): chrX:53,630,308-53,630,340.
Other names: c.2866_2876+22dupACCCCAAACAGGTAAGAGAATGGCTCTCTCTCT (NM_031407.4).
Identifiers: ClinVar variation 452130 (VCV000452130.1), dbSNP rs1556993139, ClinGen allele CA10422662.
Genomic context (GRCh38, chrX:53,603,345, plus strand): 5'-CCCTCCTATCCCCAACCAAAGCAATCCTCCAGGCTCACCGAACTTAGATAACAAAGTAAT[A>AAGAGAGAGAGCCATTCTCTTACCTGTTTGGGGT]AGAGAGAGAGCCATTCTCTTACCTGTTTGGGGTACACAGAGAGAGGAGGACAGTGCTTTC-3'